The following is an entry in ClinVar:

ClinVar aggregate classification (germline): Uncertain significance. Review status: criteria provided, multiple submitters, no conflicts (2 of 4 stars). 2 submissions from 2 submitters: Uncertain significance (2). Last evaluated 2025-05-22.

Conditions:
Hereditary cancer-predisposing syndrome. Also called: Neoplastic Syndromes, Hereditary; Hereditary Cancer Syndrome; Hereditary neoplastic syndrome; Tumor predisposition. Identifiers: Orphanet 140162, MedGen C0027672, MeSH D009386, MONDO:0015356.
Multiple endocrine neoplasia, type 2 (MEN2). Identifiers: Orphanet 653, MedGen C4048306, MONDO:0019003. Disease mechanism: gain of function.

Allele frequency attached by ClinVar (database versions not stated): ExAC 0.00001; gnomAD exomes 0.00001.
gnomAD v4.1: 3 of 1,614,126 alleles (0.00019%); highest among the groups gnomAD compares: East Asian, 0.0067%; no homozygotes.

Submissions (2):

Labcorp Genetics (formerly Invitae), Labcorp
Classification: Uncertain significance for Multiple endocrine neoplasia, type 2. Last evaluated: 2025-05-22. Review status: criteria provided, single submitter. Criteria: Invitae Variant Classification Sherloc (09022015). Collection method: clinical testing. Allele origin: germline.
Comment: This sequence change replaces threonine, which is neutral and polar, with isoleucine, which is neutral and non-polar, at codon 966 of the RET protein (p.Thr966Ile). This variant is present in population databases (rs760765930, gnomAD 0.01%). This variant has not been reported in the literature in individuals affected with RET-related conditions. ClinVar contains an entry for this variant (Variation ID: 543738). An algorithm developed to predict the effect of missense changes on protein structure and function (PolyPhen-2) suggests that this variant is likely to be disruptive. In summary, the available evidence is currently insufficient to determine the role of this variant in disease. Therefore, it has been classified as a Variant of Uncertain Significance.

Ambry Genetics
Classification: Uncertain significance for Hereditary cancer-predisposing syndrome. Last evaluated: 2024-01-16. Review status: criteria provided, single submitter. Criteria: Ambry Variant Classification Scheme 2023. Collection method: clinical testing. Allele origin: germline.
Comment: The p.T966I variant (also known as c.2897C>T), located in coding exon 17 of the RET gene, results from a C to T substitution at nucleotide position 2897. The threonine at codon 966 is replaced by isoleucine, an amino acid with similar properties. This amino acid position is highly conserved in available vertebrate species. In addition, the in silico prediction for this alteration is inconclusive. Since supporting evidence is limited at this time, the clinical significance of this alteration remains unclear.

NM_020975.6(RET):c.2897C>T (p.Thr966Ile)

Gene: RET (ret proto-oncogene; plus strand). Cytogenetic location: 10q11.21.
Variant type: single nucleotide variant.
Coding change: c.2897C>T on transcript NM_020975.6 (MANE Select); coding-DNA position 2897, C replaced by T.
Protein change: p.Thr966Ile; replaces threonine 966 with isoleucine.
Molecular consequence: missense variant.
Genome position (GRCh38, 1-based): chr10:43,123,766, C>T. VCF-style: chr10-43123766-C-T. GRCh37 (hg19) VCF-style: chr10-43619214-C-T.
Other names: c.2897C>T, p.Thr966Ile (NM_000323.2, NM_001406743.1, NM_001406744.1 and 4 more transcripts); c.2135C>T, p.Thr712Ile (NM_001355216.2); c.2768C>T, p.Thr923Ile (NM_001406761.1, NM_001406762.1, NM_001406764.1); c.2762C>T, p.Thr921Ile (NM_001406763.1, NM_001406765.1); c.2609C>T, p.Thr870Ile (NM_001406766.1, NM_001406767.1, NM_001406770.1); c.2633C>T, p.Thr878Ile (NM_001406768.1); c.2501C>T, p.Thr834Ile (NM_001406769.1, NM_001406772.1); c.2459C>T, p.Thr820Ile (NM_001406771.1, NM_001406773.1); and 10 more; short protein forms T966I, T712I, T483I, T667I, T724I, T878I, T921I, T622I.
Identifiers: ClinVar variation 543738 (VCV000543738.15), dbSNP rs760765930, ClinGen allele CA041399.